The following is an entry in ClinVar:

ClinVar aggregate classification (germline): Uncertain significance. Review status: criteria provided, multiple submitters, no conflicts (2 of 4 stars). 2 submissions from 2 submitters: Uncertain significance (2). Last evaluated 2024-02-06.

Conditions:
Autosomal dominant limb-girdle muscular dystrophy type 1F (LGMDD2). Also called: Limb-girdle muscular dystrophy, type 1F; MUSCULAR DYSTROPHY, LIMB-GIRDLE, AUTOSOMAL DOMINANT 2. Identifiers: Orphanet 55595, MedGen C1842062, MONDO:0012034, OMIM 608423.

gnomAD v4.1: 7 of 1,612,934 alleles (0.00043%); highest among the groups gnomAD compares: South Asian, 0.0011%; no homozygotes.

Submissions (2):

Labcorp Genetics (formerly Invitae), Labcorp
Classification: Uncertain significance for Autosomal dominant limb-girdle muscular dystrophy type 1F. Last evaluated: 2024-02-06. Review status: criteria provided, single submitter. Criteria: Invitae Variant Classification Sherloc (09022015). Collection method: clinical testing. Allele origin: germline.
Comment: This sequence change creates a premature translational stop signal (p.Arg160*) in the TNPO3 gene. It is expected to result in an absent or disrupted protein product. However, the current clinical and genetic evidence is not sufficient to establish whether loss-of-function variants in TNPO3 cause disease. This variant is present in population databases (rs752037576, gnomAD 0.003%). This variant has not been reported in the literature in individuals affected with TNPO3-related conditions. ClinVar contains an entry for this variant (Variation ID: 288839). In summary, the available evidence is currently insufficient to determine the role of this variant in disease. Therefore, it has been classified as a Variant of Uncertain Significance.

Eurofins Ntd Llc (ga)
Classification: Uncertain significance. Last evaluated: 2016-07-18. Review status: criteria provided, single submitter. Criteria: EGL Classification Definitions 2015. Collection method: clinical testing. Allele origin: germline. Observed: 1 variant allele, 1 heterozygote.

NM_012470.4(TNPO3):c.478C>T (p.Arg160Ter)

Gene: TNPO3 (transportin 3; minus strand). Cytogenetic location: 7q32.1.
Variant type: single nucleotide variant.
Coding change: c.478C>T on transcript NM_012470.4 (MANE Select); coding-DNA position 478, C replaced by T.
Protein change: p.Arg160Ter; replaces arginine 160 with a stop codon.
Molecular consequence: nonsense. On other transcripts: non-coding transcript variant (18).
Genome position (GRCh38, 1-based): chr7:129,015,053, G>A on the plus strand (C>T on the coding strand, the complement: TNPO3 is on the minus strand). VCF-style: chr7-129015053-G-A. GRCh37 (hg19) VCF-style: chr7-128655107-G-A.
Other names: c.478C>T, p.Arg160Ter (NM_001191028.3, NM_001382216.1, NM_001382218.1 and 5 more transcripts); c.559C>T, p.Arg187Ter (NM_001382217.1); short protein forms R160*, R187*.
Identifiers: ClinVar variation 288839 (VCV000288839.7), dbSNP rs752037576, ClinGen allele CA10606244.